The following is an entry in ClinVar:

ClinVar aggregate classification (germline): Uncertain significance (1 of 4 stars; one submission).

Conditions:
Familial cold autoinflammatory syndrome 2 (FCAS2). Identifiers: Orphanet 247868, MedGen C2673198, MONDO:0012724, OMIM 611762.

Submission:

Labcorp Genetics (formerly Invitae), Labcorp
Classification: Uncertain significance for Familial cold autoinflammatory syndrome 2. Last evaluated: 2025-07-07. Review status: criteria provided, single submitter. Criteria: Invitae Variant Classification Sherloc (09022015). Collection method: clinical testing. Allele origin: germline.
Comment: This sequence change replaces alanine, which is neutral and non-polar, with threonine, which is neutral and polar, at codon 522 of the NLRP12 protein (p.Ala522Thr). This variant is not present in population databases (gnomAD no frequency). This variant has not been reported in the literature in individuals affected with NLRP12-related conditions. Invitae Evidence Modeling of protein sequence and biophysical properties (such as structural, functional, and spatial information, amino acid conservation, physicochemical variation, residue mobility, and thermodynamic stability) indicates that this missense variant is not expected to disrupt NLRP12 protein function with a negative predictive value of 80%. In summary, the available evidence is currently insufficient to determine the role of this variant in disease. Therefore, it has been classified as a Variant of Uncertain Significance.

NM_144687.4(NLRP12):c.1564G>A (p.Ala522Thr)

Gene: NLRP12 (NLR family pyrin domain containing 12; minus strand). Cytogenetic location: 19q13.42.
Variant type: single nucleotide variant.
Coding change: c.1564G>A on transcript NM_144687.4 (MANE Select); coding-DNA position 1564, G replaced by A.
Protein change: p.Ala522Thr; replaces alanine 522 with threonine.
Molecular consequence: missense variant.
Genome position (GRCh38, 1-based): chr19:53,810,095, C>T on the plus strand (G>A on the coding strand, the complement: NLRP12 is on the minus strand). VCF-style: chr19-53810095-C-T. GRCh37 (hg19) VCF-style: chr19-54313349-C-T.
Other names: c.1564G>A, p.Ala522Thr (NM_001277126.2, NM_001277129.1); short protein forms A522T.
Identifiers: ClinVar variation 4741224 (VCV004741224.1).
Genomic context (GRCh38, chr19:53,810,095, plus strand): 5'-TCACGTCCTGGTCTGGGCCTGCCCCGCCCTCCCCCTCGTCCAGGATATAGTACATAGCTG[C>T]AAAGAATTCCTGGAAACTCAAGTGGATGAAGCTGTAGTACCTCTCACAGTTGATGTCCTT-3'
Protein context (NP_653288.1, residues 512-532): FIHLSFQEFF[Ala522Thr]AMYYILDEGE